The following is an entry in ClinVar:

ClinVar aggregate classification (germline): Likely benign. Review status: criteria provided, multiple submitters, no conflicts (2 of 4 stars). 2 submissions from 2 submitters: Likely benign (2). Last evaluated 2025-02-28.

Conditions:
Congenital myotonia, autosomal dominant form (THD). Also called: THOMSEN DISEASE; Myotonia congenita autosomal dominant. Identifiers: Orphanet 614, MedGen C2936781, MONDO:0008055, OMIM 160800.
Congenital myotonia, autosomal recessive form. Also called: BECKER DISEASE; Becker Generalized Myotonia; myotonia congenita, autosomal recessive. Identifiers: Orphanet 614, MedGen C0751360, MONDO:0009715, OMIM 255700.

Submissions (2):

Mayo Clinic Laboratories, Mayo Clinic
Classification: Likely benign. Last evaluated: 2025-02-28. Review status: criteria provided, single submitter. Criteria: ACMG Guidelines, 2015. Collection method: clinical testing. Allele origin: germline. Observed: 1 variant allele.
Comment: BP4, BP7

Labcorp Genetics (formerly Invitae), Labcorp
Classification: Likely benign for Congenital myotonia, autosomal recessive form; Congenital myotonia, autosomal dominant form. Last evaluated: 2023-07-13. Review status: criteria provided, single submitter. Criteria: Invitae Variant Classification Sherloc (09022015). Collection method: clinical testing. Allele origin: germline.

NM_000083.3(CLCN1):c.1582+7A>T

Gene: CLCN1 (chloride voltage-gated channel 1; plus strand). Cytogenetic location: 7q34.
Variant type: single nucleotide variant.
Coding change: c.1582+7A>T on transcript NM_000083.3 (MANE Select); 7 bases into the intron after coding-DNA position 1582, A replaced by T.
Molecular consequence: intron variant.
Genome position (GRCh38, 1-based): chr7:143,339,628, A>T. VCF-style: chr7-143339628-A-T. GRCh37 (hg19) VCF-style: chr7-143036721-A-T.
Other names: p.?.
Identifiers: ClinVar variation 737723 (VCV000737723.7), dbSNP rs1586508119, ClinGen allele CA915945545.
Genomic context (GRCh38, chr7:143,339,628, plus strand): 5'-TTTTGTTTGATGACATCATCTACAAGATCCTACCTGGGGGCTATGCAGTAATTGGTGAGA[A>T]ACATTCCCACTTCCCTGTAATCAAACATTGAGTACTTCAGATCCCCACACTTAAACTCTC-3'